The following is an entry in ClinVar:

NM_000352.6(ABCC8):c.4340_4362del (p.Asp1447fs)

Gene: ABCC8 (ATP binding cassette subfamily C member 8; minus strand). Cytogenetic location: 11p15.1.
Variant type: Deletion.
Coding change: c.4340_4362del on transcript NM_000352.6 (MANE Select); coding-DNA positions 4340 to 4362, 23 bases deleted (ATAGCACACTGTGGGAGGCCCTG).
Protein change: p.Asp1447fs; shifts the reading frame from aspartic acid 1447.
Molecular consequence: frameshift variant. On other transcripts: non-coding transcript variant (1).
Genome position (GRCh38, 1-based): chr11:17,395,221-17,395,243, CAGGGCCTCCCACAGTGTGCTAT deleted on the plus strand (ATAGCACACTGTGGGAGGCCCTG on the coding strand, the reverse complement: ABCC8 is on the minus strand); deleting any 23 consecutive bases within chr11:17,395,221-17,395,244 gives the same sequence; the c. name uses the placement nearest the transcript's 3' end. VCF-style (leftmost placement, unchanged base first): chr11-17395220-CCAGGGCCTCCCACAGTGTGCTAT-C. GRCh37 (hg19) VCF-style: chr11-17416767-CCAGGGCCTCCCACAGTGTGCTAT-C.
Other names: c.4340_4362delATAGCACACTGTGGGAGGCCCTG (NM_000352.4); c.4340_4362del (NM_000352.4); c.4343_4365del, p.Asp1448fs (NM_001287174.3); c.4406_4428del, p.Asp1469fs (NM_001351295.2); c.4340_4362del, p.Asp1447fs (NM_001351296.2); c.4337_4359del, p.Asp1446fs (NM_001351297.2); short protein forms D1447fs, D1448fs, D1469fs, D1446fs.
Identifiers: ClinVar variation 557349 (VCV000557349.5), dbSNP rs1554904554, ClinGen allele CA658822167.

ClinVar aggregate classification (germline): Conflicting classifications of pathogenicity. Review status: criteria provided, conflicting classifications (1 of 4 stars). 5 submissions from 4 submitters: Likely pathogenic (2); Uncertain significance (2). 1 of the submissions does not count toward it. Last evaluated 2025-05-13.

Conditions:
Maturity-onset diabetes of the young (MODY). Also called: Maturity onset diabetes mellitus in young. Identifiers: Orphanet 552, MedGen C0342276, MONDO:0018911, HP:0004904.
Hereditary hyperinsulinism.
Hyperinsulinemic hypoglycemia, familial, 1 (HHF1). Also called: Persistent hyperinsulinemic hypoglycemia of infancy; HYPERINSULINISM, FAMILIAL, WITH PANCREATIC NESIDIOBLASTOSIS; HYPOGLYCEMIA, HYPERINSULINEMIC, OF INFANCY; NESIDIOBLASTOSIS OF PANCREAS; Persistent Hyperinsulinemia Hypoglycemia of Infancy. Identifiers: Orphanet 276575, Orphanet 276598, MedGen C2931832, MONDO:0009734, OMIM 256450.
ABCC8-related disorder.
Transitory neonatal diabetes mellitus. Also called: Transient neonatal diabetes mellitus. Identifiers: MedGen C0342273, MONDO:0020525, HP:0008255.

Submissions (5):

Natera, Inc.
Classification: Likely pathogenic for Hereditary hyperinsulinism. Last evaluated: 2025-05-13. Review status: criteria provided, single submitter. Criteria: Natera Variant Classification Schema (03/2026). Collection method: clinical testing. Allele origin: germline.
Comment: The c.4340_4362delATAGCACACTGTGGGAGGCCCTG variant in ABCC8 is a frameshift variant predicted to shift the reading frame beginning at codon 1447 and leads to a stop codon 58 codons downstream. This variant is expected to result in nonsense mediated decay, truncation, or a dysfunctional protein product. This variant is rare in the general population with a frequency below the threshold expected for the associated phenotype(s). Given the available evidence, this variant is classified as Likely Pathogenic.

Rady Children's Institute for Genomic Medicine, Rady Children's Hospital San Diego
Classification: Likely pathogenic for ABCC8-related disorders. Last evaluated: 2023-09-27. Review status: criteria provided, single submitter. Criteria: ACMG Guidelines, 2015. Collection method: clinical testing. Allele origin: germline. Affected: yes.
Comment: This frameshifting variant in exon 36 of 39 is predicted to result in loss of normal protein function through either protein truncation or nonsense-mediated mRNA decay. Loss-of-function variation in ABCC8 is an established mechanism of disease (PMID: 20685672, 23345197). This variant has not been previously reported or functionally characterized in the literature to our knowledge. The c.4340_4362del (p.Asp1447GlyfsTer58) variant is absent from the gnomAD population database and thus is presumed to be rare. Based on the available evidence, c.4340_4362del (p.Asp1447GlyfsTer58) is classified as Likely Pathogenic.

Clinical Genomics, Uppaluri K&H Personalized Medicine Clinic
Classification: Uncertain significance for Maturity-onset diabetes of the young. Review status: criteria provided, single submitter. Criteria: K & H Uppaluri Personalized Medicine Clinic Variant Classification & Assertion Criteria_Updated V.1. Collection method: research. Allele origin: somatic. Inheritance: Somatic mutation.
Comment: Mutations in ABCC8 gene are associated with both neonatal diabetes mellitus as well as MODY. Patients with this mutation may have a better response to sulfonylureas. However, no sufficient evidence is found to ascertain the role of this particular variant ( rs1554904554) in MODY yet.

Clinical Genomics, Uppaluri K&H Personalized Medicine Clinic
Classification: Uncertain significance for Transitory neonatal diabetes mellitus. Review status: criteria provided, single submitter. Criteria: K & H Uppaluri Personalized Medicine Clinic Variant Classification & Assertion Criteria_Updated V.1. Collection method: research. Allele origin: somatic. Inheritance: Somatic mutation.
Comment: Mutations in ABCC8 gene are associated with both neonatal diabetes mellitus as well as MODY. Patients with this mutation may have a better response to sulfonylureas. However, no sufficient evidence is found to ascertain the role of this particular variant ( rs1554904554) in neonatal diabetes yet.

Counsyl
Classification: Likely pathogenic for Hyperinsulinemic hypoglycemia, familial, 1. Last evaluated: 2018-03-16. Review status: no assertion criteria provided. Collection method: clinical testing. Allele origin: unknown. Not counted in ClinVar's aggregate classification.

Literature cited by the submitters: PubMed 20685672 (cited by Rady Children's Institute for Genomic Medicine, Rady Children's Hospital San Diego); 23345197 (cited by Rady Children's Institute for Genomic Medicine, Rady Children's Hospital San Diego); PubMed 16885549 (cited by Clinical Genomics, Uppaluri K&H Personalized Medicine Clinic); PubMed 21989597 (cited by Clinical Genomics, Uppaluri K&H Personalized Medicine Clinic); PubMed 27538677 (cited by Clinical Genomics, Uppaluri K&H Personalized Medicine Clinic); PubMed 18981553 (cited by Clinical Genomics, Uppaluri K&H Personalized Medicine Clinic); PubMed 32027066 (cited by Clinical Genomics, Uppaluri K&H Personalized Medicine Clinic); PubMed 16613899 (cited by Clinical Genomics, Uppaluri K&H Personalized Medicine Clinic); PubMed 18025408 (cited by Clinical Genomics, Uppaluri K&H Personalized Medicine Clinic); PubMed 32792356 (cited by Clinical Genomics, Uppaluri K&H Personalized Medicine Clinic).